The following is an entry in ClinVar:

ClinVar aggregate classification (germline): Benign/Likely benign. Review status: criteria provided, multiple submitters, no conflicts (2 of 4 stars). 4 submissions from 4 submitters: Benign (1); Likely benign (3). Last evaluated 2026-06-24.

Conditions:
Retinoblastoma (RB1). Also called: RETINOBLASTOMA, SOMATIC. Identifiers: Orphanet 790, MedGen C0035335, MeSH D012175, MONDO:0008380, OMIM 180200, HP:0009919. Disease mechanism: loss of function. Inheritance: Both sporadic and heritable forms are tested..
Hereditary cancer-predisposing syndrome. Also called: Tumor predisposition; Hereditary Cancer Syndrome; Hereditary neoplastic syndrome; Neoplastic Syndromes, Hereditary. Identifiers: Orphanet 140162, MedGen C0027672, MeSH D009386, MONDO:0015356.

Allele frequency attached by ClinVar (database versions not stated): gnomAD exomes 0.00001 and below 0.00001.
gnomAD v4.1: 4 of 1,613,016 alleles (0.00025%); highest among the groups gnomAD compares: Middle Eastern, 0.05%; no homozygotes.

Submissions (4):

Myriad Genetics, Inc.
Classification: Benign for Retinoblastoma. Last evaluated: 2026-06-24. Review status: criteria provided, single submitter. Criteria: Myriad Autosomal Dominant, Autosomal Recessive and X-Linked Classification Criteria (2023). Collection method: clinical testing. Allele origin: unknown.
Comment: This variant is considered benign. This variant is a silent/synonymous amino acid change and it is not expected to impact splicing.

Labcorp Genetics (formerly Invitae), Labcorp
Classification: Likely benign for Retinoblastoma. Last evaluated: 2025-11-13. Review status: criteria provided, single submitter. Criteria: Invitae Variant Classification Sherloc (09022015). Collection method: clinical testing. Allele origin: germline.

All of Us Research Program, National Institutes of Health
Classification: Likely benign for Retinoblastoma. Last evaluated: 2024-07-20. Review status: criteria provided, single submitter. Criteria: ACMG Guidelines, 2015. Collection method: clinical testing. Allele origin: germline. Inheritance: Autosomal dominant inheritance. Observed: 1 variant allele, 1 heterozygote.
Comment: This study involves interpretation of variants in research participants for the purpose of population health screening. Participant phenotype was not available at the time of variant classification. Additional details can be found in publication PMID: 35346344, PMCID: PMC8962531

Ambry Genetics
Classification: Likely benign for Hereditary cancer-predisposing syndrome. Last evaluated: 2019-08-14. Review status: criteria provided, single submitter. Criteria: Ambry Variant Classification Scheme 2023. Collection method: clinical testing. Allele origin: germline.

NM_000321.3(RB1):c.1785T>C (p.Pro595=)

Gene: RB1 (RB transcriptional corepressor 1; plus strand). Cytogenetic location: 13q14.2.
Variant type: single nucleotide variant.
Coding change: c.1785T>C on transcript NM_000321.3 (MANE Select); coding-DNA position 1785, T replaced by C.
Protein change: p.Pro595=; no amino-acid change (proline 595 retained).
Molecular consequence: synonymous variant.
Genome position (GRCh38, 1-based): chr13:48,453,082, T>C. VCF-style: chr13-48453082-T-C. GRCh37 (hg19) VCF-style: chr13-49027218-T-C.
Identifiers: ClinVar variation 776860 (VCV000776860.17), dbSNP rs1194487890, ClinGen allele CA483558228.